The following is an entry in ClinVar:

ClinVar aggregate classification (germline): Uncertain significance (1 of 4 stars; one submission).

Submission:

Geisinger Autism and Developmental Medicine Institute, Geisinger Health System
Classification: Uncertain significance. Last evaluated: 2018-02-05. Review status: criteria provided, single submitter. Criteria: ACMG CNV Guidelines, 2011. Collection method: provider interpretation. Allele origin: maternal.
Comment: Brain MRI revealed pachygyria. Ophthalmology and endocrinology evaluations were normal.

Single allele

Genes: LLGL2 (LLGL scribble cell polarity complex component 2; plus strand), RECQL5 (RecQ like helicase 5; minus strand), ERLN (endoregulin; plus strand), SAP30BP (SAP30 binding protein; plus strand), SMIM5 (small integral membrane protein 5; plus strand) and 1 more. Cytogenetic location: 17q25.1.
Variant type: Duplication.
Identifiers: ClinVar variation 560048 (VCV000560048.3).